The following is an entry in ClinVar:

NM_001148.6(ANK2):c.1564C>T (p.His522Tyr)

Gene: ANK2 (ankyrin 2; plus strand). Cytogenetic location: 4q26.
Variant type: single nucleotide variant.
Coding change: c.1564C>T on transcript NM_001148.6 (MANE Select); coding-DNA position 1564, C replaced by T.
Protein change: p.His522Tyr; replaces histidine 522 with tyrosine.
Molecular consequence: missense variant.
Genome position (GRCh38, 1-based): chr4:113,274,530, C>T. VCF-style: chr4-113274530-C-T. GRCh37 (hg19) VCF-style: chr4-114195686-C-T.
Other names: c.1501C>T, p.His501Tyr (NM_001127493.3, NM_001354239.2, NM_001354243.2 and 14 more transcripts); c.1564C>T, p.His522Tyr (NM_001354225.2, NM_001354228.2, NM_001354232.2 and 8 more transcripts); c.1609C>T, p.His537Tyr (NM_001354230.2, NM_001354231.2, NM_001354237.2 and 5 more transcripts); c.1477C>T, p.His493Tyr (NM_001354249.2, NM_001354260.2, NM_001354264.2 and 13 more transcripts); c.1522C>T, p.His508Tyr (NM_001354261.2, NM_001386147.1, NM_001386160.1); c.1354C>T, p.His452Tyr (NM_001354269.3); c.1366C>T, p.His456Tyr (NM_001354273.2); c.1279C>T, p.His427Tyr (NM_001354277.2, NM_001386157.1, NM_001386158.1); and 4 more; short protein forms H522Y, H501Y, H452Y, H493Y, H537Y, H456Y, H508Y, H427Y.
Identifiers: ClinVar variation 457022 (VCV000457022.5), dbSNP rs765190989, ClinGen allele CA3050313.

ClinVar aggregate classification (germline): Uncertain significance (1 of 4 stars; one submission).

Conditions:
Long QT syndrome (LQTS). Identifiers: MedGen C0023976, MeSH D008133, MONDO:0002442. Disease mechanism: loss of function. Inheritance: Various modes of inheritance.

Allele frequency attached by ClinVar (database versions not stated): TOPMed below 0.00001; gnomAD exomes 0.00001 and 0.00002; ExAC 0.00004.
gnomAD v4.1: 13 of 1,614,216 alleles (0.00081%); highest among the groups gnomAD compares: Middle Eastern, 0.016%; no homozygotes.

Submission:

Labcorp Genetics (formerly Invitae), Labcorp
Classification: Uncertain significance for Long QT syndrome. Last evaluated: 2025-07-06. Review status: criteria provided, single submitter. Criteria: Invitae Variant Classification Sherloc (09022015). Collection method: clinical testing. Allele origin: germline.
Comment: This sequence change replaces histidine, which is basic and polar, with tyrosine, which is neutral and polar, at codon 522 of the ANK2 protein (p.His522Tyr). This variant is present in population databases (rs765190989, gnomAD 0.004%). This variant has not been reported in the literature in individuals affected with ANK2-related conditions. ClinVar contains an entry for this variant (Variation ID: 457022). An algorithm developed to predict the effect of missense changes on protein structure and function (PolyPhen-2) suggests that this variant is likely to be tolerated. In summary, the available evidence is currently insufficient to determine the role of this variant in disease. Therefore, it has been classified as a Variant of Uncertain Significance.